The following is an entry in ClinVar:

NM_002473.6(MYH9):c.1850G>A (p.Arg617His)

Gene: MYH9 (myosin heavy chain 9; minus strand). Cytogenetic location: 22q12.3.
Variant type: single nucleotide variant.
Coding change: c.1850G>A on transcript NM_002473.6 (MANE Select); coding-DNA position 1850, G replaced by A.
Protein change: p.Arg617His; replaces arginine 617 with histidine.
Molecular consequence: missense variant.
Genome position (GRCh38, 1-based): chr22:36,306,601, C>T on the plus strand (G>A on the coding strand, the complement: MYH9 is on the minus strand). VCF-style: chr22-36306601-C-T. GRCh37 (hg19) VCF-style: chr22-36702647-C-T.
Other names: short protein forms R617H.
Identifiers: ClinVar variation 2186876 (VCV002186876.5), dbSNP rs151240427, ClinGen allele CA10210164.
Genomic context (GRCh38, chr22:36,306,601, plus strand): 5'-TTGAAGGCCCCGGGCAGTGCGGTCTCCGACATGCCGGCCACCTGGTCCAGGCCGATGATG[C>T]GGTCCACTGTGGAGACCACAGAGAACACGTGAGTGCCCACACAGTTGCAGCTGGGTGGTG-3'
Protein context (NP_002464.1, residues 607-627): FVSELWKDVD[Arg617His]IIGLDQVAGM

ClinVar aggregate classification (germline): Uncertain significance. Review status: criteria provided, multiple submitters, no conflicts (2 of 4 stars). 2 submissions from 2 submitters: Uncertain significance (2). Last evaluated 2025-12-10.

Conditions:
Autosomal dominant nonsyndromic hearing loss 17. Also called: Deafness, autosomal dominant 17; Autosomal dominant nonsyndromic deafness 17. Identifiers: Orphanet 90635, MedGen C1863659, MONDO:0011350, OMIM 603622.
Macrothrombocytopenia and granulocyte inclusions with or without nephritis or sensorineural hearing loss (MATINS). Also called: BLEEDING DISORDER, PLATELET-TYPE, 6; DOHLE LEUKOCYTE INCLUSIONS WITH GIANT PLATELETS; SEBASTIAN PLATELET SYNDROME; MACROTHROMBOCYTOPENIA WITH DISPERSED LEUKOCYTIC INCLUSIONS; MACROTHROMBOCYTOPENIA, NEPHRITIS, AND DEAFNESS; MACROTHROMBOCYTOPENIA, NEPHRITIS, DEAFNESS, AND LEUKOCYTE INCLUSIONS. Identifiers: Orphanet 182050, MedGen C5200934, MONDO:0015912, OMIM 155100.

Allele frequency attached by ClinVar (database versions not stated): gnomAD exomes 0.00001; ExAC 0.00005; gnomAD 0.00006; TOPMed 0.00006; ESP Exome Variant Server 0.00015; 1000 Genomes Project 30x 0.00016; 1000 Genomes Project 0.00020.
gnomAD v4.1: 22 of 1,612,506 alleles (0.0014%); highest among the groups gnomAD compares: African/African-American, 0.0093%; no homozygotes.

Submissions (2):

Labcorp Genetics (formerly Invitae), Labcorp
Classification: Uncertain significance. Last evaluated: 2025-12-10. Review status: criteria provided, single submitter. Criteria: Invitae Variant Classification Sherloc (09022015). Collection method: clinical testing. Allele origin: germline.
Comment: This sequence change replaces arginine, which is basic and polar, with histidine, which is basic and polar, at codon 617 of the MYH9 protein (p.Arg617His). The frequency data for this variant in the population databases is considered unreliable, as metrics indicate poor data quality at this position in the gnomAD database. This variant has not been reported in the literature in individuals affected with MYH9-related conditions. ClinVar contains an entry for this variant (Variation ID: 2186876). Invitae Evidence Modeling of protein sequence and biophysical properties (such as structural, functional, and spatial information, amino acid conservation, physicochemical variation, residue mobility, and thermodynamic stability) indicates that this missense variant is not expected to disrupt MYH9 protein function with a negative predictive value of 95%. In summary, the available evidence is currently insufficient to determine the role of this variant in disease. Therefore, it has been classified as a Variant of Uncertain Significance.

Fulgent Genetics
Classification: Uncertain significance for Macrothrombocytopenia and granulocyte inclusions with or without nephritis or sensorineural hearing loss; Autosomal dominant nonsyndromic hearing loss 17. Last evaluated: 2024-04-23. Review status: criteria provided, single submitter. Criteria: ACMG Guidelines, 2015. Collection method: clinical testing. Allele origin: germline.